The following is an entry in ClinVar:

ClinVar aggregate classification (germline): Pathogenic (1 of 4 stars; one submission).

Conditions:
Hereditary cancer-predisposing syndrome. Also called: Hereditary Cancer Syndrome; Hereditary neoplastic syndrome; Neoplastic Syndromes, Hereditary; Tumor predisposition. Identifiers: Orphanet 140162, MedGen C0027672, MeSH D009386, MONDO:0015356.

Submission:

Ambry Genetics
Classification: Pathogenic for Hereditary cancer-predisposing syndrome. Last evaluated: 2019-07-26. Review status: criteria provided, single submitter. Criteria: Ambry Variant Classification Scheme 2023. Collection method: clinical testing. Allele origin: germline.
Comment: The c.439delA pathogenic mutation, located in coding exon 5 of the PMS2 gene, results from a deletion of one nucleotide at nucleotide position 439, causing a translational frameshift with a predicted alternate stop codon (p.T147Pfs*54). This alteration is expected to result in loss of function by premature protein truncation or nonsense-mediated mRNA decay. As such, this alteration is interpreted as a disease-causing mutation.

NM_000535.7(PMS2):c.439del (p.Thr147fs)

Gene: PMS2 (PMS1 homolog 2, mismatch repair system component; minus strand). Cytogenetic location: 7p22.1.
Variant type: Deletion.
Coding change: c.439del on transcript NM_000535.7 (MANE Select); coding-DNA position 439, one base deleted (A; older notation c.439delA).
Protein change: p.Thr147fs; shifts the reading frame from threonine 147.
Molecular consequence: frameshift variant. On other transcripts: 5 prime UTR variant (2), non-coding transcript variant (1).
Genome position (GRCh38, 1-based): chr7:6,002,551, T deleted on the plus strand (A on the coding strand, the reverse complement: PMS2 is on the minus strand); the first of 4 consecutive T bases (chr7:6,002,551-6,002,554); deleting any one gives the same sequence. VCF-style (leftmost placement, unchanged base first): chr7-6002550-GT-G. GRCh37 (hg19) VCF-style: chr7-6042181-GT-G.
Other names: c.439delA (NM_000535.5); c.31delA, p.Thr12Profs (NM_001018040.1, NM_001406887.1, NM_001406888.1 and 19 more transcripts); c.34del, p.Thr12fs (NM_001322003.2, NM_001322004.2, NM_001322005.2 and 3 more transcripts); c.439del, p.Thr147fs (NM_001322006.2, NM_001322014.2); c.121del, p.Thr41fs (NM_001322007.2, NM_001322008.2); c.-446del (NM_001322011.2, NM_001322012.2); c.130del, p.Thr44fs (NM_001322015.2); c.622delA, p.Thr209Profs (NM_001406866.1); and 4 more; short protein forms T147fs, T41fs, T12fs, T44fs.
Identifiers: ClinVar variation 1740284 (VCV001740284.2), dbSNP rs2536445489, ClinGen allele CA2580077003.